The following is an entry in ClinVar:

ClinVar aggregate classification (germline): Uncertain significance. Review status: criteria provided, multiple submitters, no conflicts (2 of 4 stars). 4 submissions from 4 submitters: Uncertain significance (4). Last evaluated 2024-09-12.

Conditions:
Hereditary cancer-predisposing syndrome. Also called: Tumor predisposition; Hereditary neoplastic syndrome; Neoplastic Syndromes, Hereditary; Hereditary Cancer Syndrome. Identifiers: Orphanet 140162, MedGen C0027672, MeSH D009386, MONDO:0015356.
Multiple endocrine neoplasia, type 2 (MEN2). Identifiers: Orphanet 653, MedGen C4048306, MONDO:0019003. Disease mechanism: gain of function.

Submissions (4):

Ambry Genetics
Classification: Uncertain significance for Hereditary cancer-predisposing syndrome. Last evaluated: 2024-09-12. Review status: criteria provided, single submitter. Criteria: Ambry Variant Classification Scheme 2023. Collection method: clinical testing. Allele origin: germline.
Comment: The p.L196F variant (also known as c.588G>C), located in coding exon 3 of the RET gene, results from a G to C substitution at nucleotide position 588. The leucine at codon 196 is replaced by phenylalanine, an amino acid with highly similar properties. This amino acid position is conserved. In addition, this alteration is predicted to be tolerated by in silico analysis. Based on the available evidence, the clinical significance of this variant remains unclear.

All of Us Research Program, National Institutes of Health
Classification: Uncertain significance for Multiple endocrine neoplasia, type 2. Last evaluated: 2024-07-20. Review status: criteria provided, single submitter. Criteria: ACMG Guidelines, 2015. Collection method: clinical testing. Allele origin: germline. Inheritance: Autosomal dominant inheritance. Observed: 1 variant allele, 1 heterozygote.
Comment: This missense variant replaces leucine with phenylalanine at codon 196 of the RET protein. Computational prediction suggests that this variant may not impact protein structure and function (internally defined REVEL score threshold <= 0.5, PMID: 27666373). To our knowledge, functional studies have not been reported for this variant. This variant has not been reported in individuals affected with RET-related disorders in the literature. This variant has not been identified in the general population by the Genome Aggregation Database (gnomAD). The available evidence is insufficient to determine the role of this variant in disease conclusively. Therefore, this variant is classified as a Variant of Uncertain Significance.

This study involves interpretation of variants in research participants for the purpose of population health screening. Participant phenotype was not available at the time of variant classification. Additional details can be found in publication PMID: 35346344, PMCID: PMC8962531

Sema4
Classification: Uncertain significance for Hereditary cancer-predisposing syndrome. Last evaluated: 2021-12-18. Review status: criteria provided, single submitter. Criteria: Sema4 Curation Guidelines. Collection method: curation. Allele origin: germline.
Comment: The RET c.588G>C (p.L196F) variant has not been reported in the literature to our knowledge. This variant is not reported in the large and broad cohorts of the Genome Aggregation Database (PMID: 32461654). This variant has not been reported in ClinVar. Functional studies have not been performed, and in silico predictions of the variant's effect on protein function are inconclusive. The overall evidence is insufficient to meet ACMG/AMP criteria for classifying it as benign or pathogenic. In summary, the clinical significance of this variant is currently uncertain.

Labcorp Genetics (formerly Invitae), Labcorp
Classification: Uncertain significance for Multiple endocrine neoplasia, type 2. Last evaluated: 2021-09-15. Review status: criteria provided, single submitter. Criteria: Invitae Variant Classification Sherloc (09022015). Collection method: clinical testing. Allele origin: germline.
Comment: Algorithms developed to predict the effect of missense changes on protein structure and function output the following: SIFT: "Tolerated"; PolyPhen-2: "Benign"; Align-GVGD: "Class C0". The phenylalanine amino acid residue is found in multiple mammalian species, which suggests that this missense change does not adversely affect protein function. In summary, the available evidence is currently insufficient to determine the role of this variant in disease. Therefore, it has been classified as a Variant of Uncertain Significance. This variant has not been reported in the literature in individuals affected with RET-related conditions. This sequence change replaces leucine with phenylalanine at codon 196 of the RET protein (p.Leu196Phe). The leucine residue is moderately conserved and there is a small physicochemical difference between leucine and phenylalanine. This variant is not present in population databases (ExAC no frequency).

NM_020975.6(RET):c.588G>C (p.Leu196Phe)

Gene: RET (ret proto-oncogene; plus strand). Cytogenetic location: 10q11.21.
Variant type: single nucleotide variant.
Coding change: c.588G>C on transcript NM_020975.6 (MANE Select); coding-DNA position 588, G replaced by C.
Protein change: p.Leu196Phe; replaces leucine 196 with phenylalanine.
Molecular consequence: missense variant.
Genome position (GRCh38, 1-based): chr10:43,102,592, G>C. VCF-style: chr10-43102592-G-C. GRCh37 (hg19) VCF-style: chr10-43598040-G-C.
Other names: c.588G>C, p.Leu196Phe (NM_000323.2, NM_001406743.1, NM_001406744.1 and 16 more transcripts); c.459G>C, p.Leu153Phe (NM_001406761.1, NM_001406762.1, NM_001406764.1 and 4 more transcripts); short protein forms L196F, L153F.
Identifiers: ClinVar variation 1491746 (VCV001491746.9), dbSNP rs2132684107, ClinGen allele CA376543589.